The following is an entry in ClinVar:

NM_000064.4(C3):c.2583+9C>T

Gene: C3 (complement C3; minus strand). Cytogenetic location: 19p13.3.
Variant type: single nucleotide variant.
Coding change: c.2583+9C>T on transcript NM_000064.4 (MANE Select); 9 bases into the intron after coding-DNA position 2583, C replaced by T.
Molecular consequence: intron variant.
Genome position (GRCh38, 1-based): chr19:6,697,643, G>A on the plus strand (C>T on the coding strand, the complement: C3 is on the minus strand). VCF-style: chr19-6697643-G-A. GRCh37 (hg19) VCF-style: chr19-6697654-G-A.
Identifiers: ClinVar variation 719210 (VCV000719210.12), dbSNP rs372400121, ClinGen allele CA9129033.

ClinVar aggregate classification (germline): Conflicting classifications of pathogenicity. Review status: criteria provided, conflicting classifications (1 of 4 stars). 4 submissions from 2 submitters: Uncertain significance (2); Benign (1); Likely benign (1). Last evaluated 2025-08-01.

Conditions:
Age related macular degeneration 9. Identifiers: MedGen C1969651, MONDO:0012659, OMIM 611378.
Atypical hemolytic-uremic syndrome with C3 anomaly. Also called: AHUS, SUSCEPTIBILITY TO, 5. Identifiers: Orphanet 2134, MedGen C2752037, MONDO:0013043, OMIM 612925.
Complement component 3 deficiency. Identifiers: Orphanet 280133, MedGen C3151071, MONDO:0013417, OMIM 613779.

Allele frequency attached by ClinVar (database versions not stated): gnomAD 0.00001; gnomAD exomes 0.00002 and 0.00003; ExAC 0.00003; TOPMed 0.00004; ESP Exome Variant Server 0.00008.
gnomAD v4.1: 28 of 1,613,914 alleles (0.0017%); highest among the groups gnomAD compares: South Asian, 0.0066%; no homozygotes.

Submissions (4):

Labcorp Genetics (formerly Invitae), Labcorp
Classification: Likely benign. Last evaluated: 2025-08-01. Review status: criteria provided, single submitter. Criteria: Invitae Variant Classification Sherloc (09022015). Collection method: clinical testing. Allele origin: germline.

Illumina Laboratory Services, Illumina
Classification: Uncertain significance for Complement component 3 deficiency. Last evaluated: 2018-01-13. Review status: criteria provided, single submitter. Criteria: ICSL Variant Classification Criteria 13 December 2019. Collection method: clinical testing. Allele origin: germline.

Illumina Laboratory Services, Illumina
Classification: Benign for Atypical hemolytic-uremic syndrome with C3 anomaly. Last evaluated: 2018-01-13. Review status: criteria provided, single submitter. Criteria: ICSL Variant Classification Criteria 13 December 2019. Collection method: clinical testing. Allele origin: germline.
Comment: This variant was observed in the ICSL laboratory as part of a predisposition screen in an ostensibly healthy population. It had not been previously curated by ICSL or reported in the Human Gene Mutation Database (HGMD: prior to June 1st, 2018), and was therefore a candidate for classification through an automated scoring system. Utilizing variant allele frequency, disease prevalence and penetrance estimates, and inheritance mode, an automated score was calculated to assess if this variant is too frequent to cause the disease. Based on the score and internal cut-off values, a variant classified as benign is not then subjected to further curation. The score for this variant resulted in a classification of benign for this disease.

Illumina Laboratory Services, Illumina
Classification: Uncertain significance for Age related macular degeneration 9. Last evaluated: 2018-01-13. Review status: criteria provided, single submitter. Criteria: ICSL Variant Classification Criteria 13 December 2019. Collection method: clinical testing. Allele origin: germline.